The following is an entry in ClinVar:

NM_001267550.2(TTN):c.67428C>T (p.His22476=)

Genes: TTN (titin; minus strand), TTN-AS1 (TTN antisense RNA 1; plus strand), LOC126806423 (CDK7 strongly-dependent group 2 enhancer GRCh37_chr2:179443309-179444508; plus strand). Cytogenetic location: 2q31.2.
Variant type: single nucleotide variant.
Coding change: c.67428C>T on transcript NM_001267550.2 (MANE Select); coding-DNA position 67428, C replaced by T.
Protein change: p.His22476=; no amino-acid change (histidine 22476 retained).
Molecular consequence: synonymous variant.
Genome position (GRCh38, 1-based): chr2:178,579,769, G>A on the plus strand (C>T on the coding strand, the complement: TTN is on the minus strand). VCF-style: chr2-178579769-G-A. GRCh37 (hg19) VCF-style: chr2-179444496-G-A.
Other names: c.62505C>T, p.His20835= (NM_001256850.1); c.40233C>T, p.His13411= (NM_003319.4); c.59724C>T, p.His19908= (NM_133378.4); c.40608C>T, p.His13536= (NM_133432.3); c.40809C>T, p.His13603= (NM_133437.4).
Identifiers: ClinVar variation 1121570 (VCV001121570.12), dbSNP rs772184456, ClinGen allele CA1991303.

ClinVar aggregate classification (germline): Likely benign. Review status: criteria provided, multiple submitters, no conflicts (2 of 4 stars). 4 submissions from 4 submitters: Likely benign (4). Last evaluated 2025-10-02.

Conditions:
TTN-related disorder. Also called: TTN-related condition; TTN-related disease; TTN-related disorders.
Cardiovascular phenotype. Identifiers: MedGen CN230736.
Autosomal recessive limb-girdle muscular dystrophy type 2J (LGMDR10). Also called: Limb-girdle muscular dystrophy, type 2J; MUSCULAR DYSTROPHY, LIMB-GIRDLE, AUTOSOMAL RECESSIVE 10. Identifiers: Orphanet 140922, MedGen C1837342, MONDO:0012127, OMIM 608807.
Dilated cardiomyopathy 1G (CMD1G). Identifiers: Orphanet 154, MedGen C1858763, MONDO:0011400, OMIM 604145.

Allele frequency attached by ClinVar (database versions not stated): gnomAD exomes below 0.00001; ExAC 0.00001; gnomAD 0.00001; TOPMed 0.00001.
gnomAD v4.1: 3 of 1,613,180 alleles (0.00019%); highest among the groups gnomAD compares: Non-Finnish European, 0.00025%; no homozygotes.

Submissions (4):

Labcorp Genetics (formerly Invitae), Labcorp
Classification: Likely benign for Dilated cardiomyopathy 1G; Autosomal recessive limb-girdle muscular dystrophy type 2J. Last evaluated: 2025-10-02. Review status: criteria provided, single submitter. Criteria: Invitae Variant Classification Sherloc (09022015). Collection method: clinical testing. Allele origin: germline.

PreventionGenetics, part of Exact Sciences
Classification: Likely benign for TTN-related condition. Last evaluated: 2025-08-06. Review status: criteria provided, single submitter. Criteria: ACMG Guidelines, 2015. Collection method: clinical testing. Allele origin: germline.
Comment: This variant is classified as likely benign based on ACMG/AMP sequence variant interpretation guidelines (Richards et al. 2015 PMID: 25741868, with internal and published modifications).

Laboratory of Genetics, Children's Clinical University Hospital Latvia
Classification: Likely benign. Last evaluated: 2025-02-16. Review status: criteria provided, single submitter. Criteria: ACMG Guidelines, 2015. Collection method: clinical testing. Allele origin: germline. Affected: yes.

Ambry Genetics
Classification: Likely benign for Cardiovascular phenotype. Last evaluated: 2024-05-17. Review status: criteria provided, single submitter. Criteria: Ambry Variant Classification Scheme 2023. Collection method: clinical testing. Allele origin: germline.